The following is an entry in ClinVar:

NM_020365.5(EIF2B3):c.244G>A (p.Ala82Thr)

Gene: EIF2B3 (eukaryotic translation initiation factor 2B subunit gamma; minus strand). Cytogenetic location: 1p34.1.
Variant type: single nucleotide variant.
Coding change: c.244G>A on transcript NM_020365.5 (MANE Select); coding-DNA position 244, G replaced by A.
Protein change: p.Ala82Thr; replaces alanine 82 with threonine.
Molecular consequence: missense variant.
Genome position (GRCh38, 1-based): chr1:44,978,365, C>T on the plus strand (G>A on the coding strand, the complement: EIF2B3 is on the minus strand). VCF-style: chr1-44978365-C-T. GRCh37 (hg19) VCF-style: chr1-45444037-C-T.
Other names: c.244G>A, p.Ala82Thr (NM_001166588.3, NM_001261418.2); short protein forms A82T.
Identifiers: ClinVar variation 1465090 (VCV001465090.5), dbSNP rs776568212, ClinGen allele CA824074.
Genomic context (GRCh38, chr1:44,978,365, plus strand): 5'-TGCTTTTCACCTTAAGTTTTGGATATATGTAGCGCAAAGAATCTGCAGTTCCCATGTCAG[C>T]GTCATCAGGAATACACACAATATCTGGCTTCATTTTCATCTTGAATTCTGCACATAGAGC-3'
Protein context (NP_065098.1, residues 72-92): KPDIVCIPDD[Ala82Thr]DMGTADSLRY

ClinVar aggregate classification (germline): Uncertain significance (1 of 4 stars; one submission).

Allele frequency attached by ClinVar (database versions not stated): gnomAD exomes 0.00002; ExAC 0.00002; TOPMed below 0.00001; gnomAD 0.00001.
gnomAD v4.1: 26 of 1,613,894 alleles (0.0016%); highest among the groups gnomAD compares: South Asian, 0.0077%; no homozygotes.

Submission:

Labcorp Genetics (formerly Invitae), Labcorp
Classification: Uncertain significance. Last evaluated: 2021-12-03. Review status: criteria provided, single submitter. Criteria: Invitae Variant Classification Sherloc (09022015). Collection method: clinical testing. Allele origin: germline.
Comment: This sequence change replaces alanine, which is neutral and non-polar, with threonine, which is neutral and polar, at codon 82 of the EIF2B3 protein (p.Ala82Thr). This variant is present in population databases (rs776568212, gnomAD 0.004%). This variant has not been reported in the literature in individuals affected with EIF2B3-related conditions. Algorithms developed to predict the effect of missense changes on protein structure and function output the following: SIFT: "Tolerated"; PolyPhen-2: "Benign"; Align-GVGD: "Class C0". The threonine amino acid residue is found in multiple mammalian species, which suggests that this missense change does not adversely affect protein function. In summary, the available evidence is currently insufficient to determine the role of this variant in disease. Therefore, it has been classified as a Variant of Uncertain Significance.